The following is an entry in ClinVar:

ClinVar aggregate classification (germline): Uncertain significance. Review status: criteria provided, multiple submitters, no conflicts (2 of 4 stars). 3 submissions from 3 submitters: Uncertain significance (3). Last evaluated 2026-04-07.

Conditions:
Inborn genetic diseases. Identifiers: MedGen C0950123, MeSH D030342.
CEP290-related disorder. Also called: CEP290-related disorders; CEP290-related condition. Identifiers: MedGen CN239314.
Joubert syndrome. Also called: Familial aplasia of the vermis; JOUBERT-BOLTSHAUSER SYNDROME. Identifiers: Orphanet 475, MedGen C5979921, MONDO:0018772.
Nephronophthisis. Also called: Juvenile Nephronophthisis. Identifiers: Orphanet 655, MedGen C0687120, MONDO:0019005, HP:0000090.
Meckel-Gruber syndrome. Also called: DYSENCEPHALIA SPLANCHNOCYSTICA; GRUBER SYNDROME; Dysencephalia splachnocystica. Identifiers: Orphanet 564, MedGen C0265215, MONDO:0018921.

Allele frequency attached by ClinVar (database versions not stated): gnomAD 0.00001; gnomAD exomes 0.00001 and 0.00004; ExAC 0.00007.
gnomAD v4.1: 17 of 1,500,650 alleles (0.0011%); highest among the groups gnomAD compares: Admixed American, 0.0026%; no homozygotes.

Submissions (3):

PreventionGenetics, part of Exact Sciences
Classification: Uncertain significance for CEP290-related condition. Last evaluated: 2026-04-07. Review status: criteria provided, single submitter. Criteria: ACMG Guidelines, 2015. Collection method: clinical testing. Allele origin: germline.
Comment: The CEP290 c.452G>A variant is predicted to result in the amino acid substitution p.Arg151Gln. To our knowledge, this variant has not been reported in the literature. This variant is reported in 0.0094% of alleles in individuals of Latino descent in gnomAD. At this time, the clinical significance of this variant is uncertain due to the absence of conclusive functional and genetic evidence.

Ambry Genetics
Classification: Uncertain significance for Inborn genetic diseases. Last evaluated: 2025-01-21. Review status: criteria provided, single submitter. Criteria: Ambry Variant Classification Scheme 2023. Collection method: clinical testing. Allele origin: germline.

Labcorp Genetics (formerly Invitae), Labcorp
Classification: Uncertain significance for Joubert syndrome; Meckel-Gruber syndrome; Nephronophthisis. Last evaluated: 2022-06-17. Review status: criteria provided, single submitter. Criteria: Invitae Variant Classification Sherloc (09022015). Collection method: clinical testing. Allele origin: germline.
Comment: This sequence change replaces arginine, which is basic and polar, with glutamine, which is neutral and polar, at codon 151 of the CEP290 protein (p.Arg151Gln). This variant is present in population databases (rs753374614, gnomAD 0.01%). This variant has not been reported in the literature in individuals affected with CEP290-related conditions. ClinVar contains an entry for this variant (Variation ID: 1011871). Algorithms developed to predict the effect of missense changes on protein structure and function are either unavailable or do not agree on the potential impact of this missense change (SIFT: "Deleterious"; PolyPhen-2: "Benign"; Align-GVGD: "Class C0"). In summary, the available evidence is currently insufficient to determine the role of this variant in disease. Therefore, it has been classified as a Variant of Uncertain Significance.

NM_025114.4(CEP290):c.452G>A (p.Arg151Gln)

Gene: CEP290 (centrosomal protein 290; minus strand). Cytogenetic location: 12q21.32.
Variant type: single nucleotide variant.
Coding change: c.452G>A on transcript NM_025114.4 (MANE Select); coding-DNA position 452, G replaced by A.
Protein change: p.Arg151Gln; replaces arginine 151 with glutamine.
Molecular consequence: missense variant.
Genome position (GRCh38, 1-based): chr12:88,131,208, C>T on the plus strand (G>A on the coding strand, the complement: CEP290 is on the minus strand). VCF-style: chr12-88131208-C-T. GRCh37 (hg19) VCF-style: chr12-88524985-C-T.
Other names: c.452G>A (NM_025114.3); short protein forms R151Q.
Identifiers: ClinVar variation 1011871 (VCV001011871.5), dbSNP rs753374614, ClinGen allele CA6712781.